The following is an entry in ClinVar:

NM_000081.4(LYST):c.10535G>A (p.Cys3512Tyr)

Gene: LYST (lysosomal trafficking regulator; minus strand). Cytogenetic location: 1q42.3.
Variant type: single nucleotide variant.
Coding change: c.10535G>A on transcript NM_000081.4 (MANE Select); coding-DNA position 10535, G replaced by A.
Protein change: p.Cys3512Tyr; replaces cysteine 3512 with tyrosine.
Molecular consequence: missense variant.
Genome position (GRCh38, 1-based): chr1:235,697,112, C>T on the plus strand (G>A on the coding strand, the complement: LYST is on the minus strand). VCF-style: chr1-235697112-C-T. GRCh37 (hg19) VCF-style: chr1-235860412-C-T.
Other names: c.10535G>A, p.Cys3512Tyr (NM_001301365.1); short protein forms C3512Y.
Identifiers: ClinVar variation 3672674 (VCV003672674.2).

ClinVar aggregate classification (germline): Uncertain significance (1 of 4 stars; one submission).

Conditions:
Chédiak-Higashi syndrome (CHS). Also called: Chediak-Higashi Syndrome. Identifiers: Orphanet 167, MedGen C0007965, MONDO:0008963, OMIM 214500.

gnomAD v4.1: 1 of 1,614,174 alleles (0.000062%); highest among the groups gnomAD compares: Non-Finnish European, 0.000085%; no homozygotes.

Submission:

Labcorp Genetics (formerly Invitae), Labcorp
Classification: Uncertain significance for Chédiak-Higashi syndrome. Last evaluated: 2024-08-08. Review status: criteria provided, single submitter. Criteria: Invitae Variant Classification Sherloc (09022015). Collection method: clinical testing. Allele origin: germline.
Comment: This sequence change replaces cysteine, which is neutral and slightly polar, with tyrosine, which is neutral and polar, at codon 3512 of the LYST protein (p.Cys3512Tyr). This variant is not present in population databases (gnomAD no frequency). This variant has not been reported in the literature in individuals affected with LYST-related conditions. Advanced modeling of protein sequence and biophysical properties (such as structural, functional, and spatial information, amino acid conservation, physicochemical variation, residue mobility, and thermodynamic stability) performed at Invitae indicates that this missense variant is not expected to disrupt LYST protein function with a negative predictive value of 80%. In summary, the available evidence is currently insufficient to determine the role of this variant in disease. Therefore, it has been classified as a Variant of Uncertain Significance.